The following is an entry in ClinVar:

NM_006736.6(DNAJB2):c.-35C>G

Gene: DNAJB2 (DnaJ heat shock protein family (Hsp40) member B2; plus strand). Cytogenetic location: 2q35.
Variant type: single nucleotide variant.
Coding change: c.-35C>G on transcript NM_006736.6 (MANE Select); 35 bases upstream of the start codon, C replaced by G.
Molecular consequence: 5 prime UTR variant.
Genome position (GRCh38, 1-based): chr2:219,279,799, C>G. VCF-style: chr2-219279799-C-G. GRCh37 (hg19) VCF-style: chr2-220144521-C-G.
Other names: c.-35C>G (NM_001039550.2).
Identifiers: ClinVar variation 511045 (VCV000511045.1), dbSNP rs368141673, ClinGen allele CA2122786.

ClinVar aggregate classification (germline): Likely benign (1 of 4 stars; one submission).

Allele frequency attached by ClinVar (database versions not stated): gnomAD exomes below 0.00001 and 0.00001; TOPMed below 0.00001; gnomAD 0.00001; ExAC 0.00002; ESP Exome Variant Server 0.00008.
gnomAD v4.1: 5 of 1,612,520 alleles (0.00031%); highest among the groups gnomAD compares: Middle Eastern, 0.016%; no homozygotes.

Submission:

GeneDx
Classification: Likely benign. Last evaluated: 2017-07-25. Review status: criteria provided, single submitter. Criteria: GeneDx Variant Classification (06012015). Collection method: clinical testing. Allele origin: germline. Affected: yes.
Comment: This variant is considered likely benign or benign based on one or more of the following criteria: it is a conservative change, it occurs at a poorly conserved position in the protein, it is predicted to be benign by multiple in silico algorithms, and/or has population frequency not consistent with disease.